The following is an entry in ClinVar:

NM_016507.4(CDK12):c.3476C>G (p.Ala1159Gly)

Gene: CDK12 (cyclin dependent kinase 12; plus strand). Cytogenetic location: 17q12.
Variant type: single nucleotide variant.
Coding change: c.3476C>G on transcript NM_016507.4 (MANE Select); coding-DNA position 3476, C replaced by G.
Protein change: p.Ala1159Gly; replaces alanine 1159 with glycine.
Molecular consequence: missense variant.
Genome position (GRCh38, 1-based): chr17:39,526,032, C>G. VCF-style: chr17-39526032-C-G. GRCh37 (hg19) VCF-style: chr17-37682285-C-G.
Other names: c.3476C>G, p.Ala1159Gly (NM_015083.4); short protein forms A1159G.
Identifiers: ClinVar variation 3830417 (VCV003830417.1).

ClinVar aggregate classification (germline): Uncertain significance (1 of 4 stars; one submission).

Submission:

Ambry Genetics
Classification: Uncertain significance. Last evaluated: 2024-12-28. Review status: criteria provided, single submitter. Criteria: Ambry Variant Classification Scheme 2023. Collection method: clinical testing. Allele origin: germline.
Comment: The p.A1159G variant (also known as c.3476C>G), located in coding exon 13 of the CDK12 gene, results from a C to G substitution at nucleotide position 3476. The alanine at codon 1159 is replaced by glycine, an amino acid with similar properties. This amino acid position is conserved. In addition, the in silico prediction for this alteration is inconclusive. Based on the available evidence, the clinical significance of this variant remains unclear.